The following is an entry in ClinVar:

NM_016341.4(PLCE1):c.-47A>G

Gene: PLCE1 (phospholipase C epsilon 1; plus strand). Cytogenetic location: 10q23.33.
Variant type: single nucleotide variant.
Coding change: c.-47A>G on transcript NM_016341.4 (MANE Select); 47 bases upstream of the start codon, A replaced by G.
Molecular consequence: 5 prime UTR variant.
Genome position (GRCh38, 1-based): chr10:94,031,000, A>G. VCF-style: chr10-94031000-A-G. GRCh37 (hg19) VCF-style: chr10-95790757-A-G.
Other names: c.-47A>G (NM_001288989.2).
Identifiers: ClinVar variation 301678 (VCV000301678.5), dbSNP rs11187771, ClinGen allele CA5612054.

ClinVar aggregate classification (germline): Likely benign (1 of 4 stars; one submission).

Conditions:
Nephrotic syndrome, type 3 (NPHS3). Also called: NEPHROTIC SYNDROME, EARLY-ONSET, TYPE 3. Identifiers: Orphanet 656, MedGen C1853124, MONDO:0012546, OMIM 610725.

Allele frequency attached by ClinVar (database versions not stated): 1000 Genomes Project 30x 0.00078; 1000 Genomes Project 0.00080; TOPMed 0.00201; gnomAD exomes 0.00210; gnomAD 0.00220 and 0.00223; ExAC 0.00240; ESP Exome Variant Server 0.00303.
gnomAD v4.1: 5,508 of 1,601,388 alleles (0.34%); highest among the groups gnomAD compares: Non-Finnish European, 0.44%; 14 homozygotes.

Submission:

Illumina Laboratory Services, Illumina
Classification: Likely benign for Nephrotic syndrome, type 3. Last evaluated: 2018-01-13. Review status: criteria provided, single submitter. Criteria: ICSL Variant Classification Criteria 13 December 2019. Collection method: clinical testing. Allele origin: germline.
Comment: This variant was observed in the ICSL laboratory as part of a predisposition screen in an ostensibly healthy population. It had not been previously curated by ICSL or reported in the Human Gene Mutation Database (HGMD: prior to June 1st, 2018), and was therefore a candidate for classification through an automated scoring system. Utilizing variant allele frequency, disease prevalence and penetrance estimates, and inheritance mode, an automated score was calculated to assess if this variant is too frequent to cause the disease. Based on the score and internal cut-off values, a variant classified as likely benign is not then subjected to further curation. The score for this variant resulted in a classification of likely benign for this disease.